The following is an entry in ClinVar:

NM_000548.5(TSC2):c.3239dup (p.Leu1080fs)

Gene: TSC2 (TSC complex subunit 2; plus strand). Cytogenetic location: 16p13.3.
Variant type: Duplication.
Coding change: c.3239dup on transcript NM_000548.5 (MANE Select); coding-DNA position 3239, one base duplicated (T; older notation c.3239dupT).
Protein change: p.Leu1080fs; shifts the reading frame from leucine 1080.
Molecular consequence: frameshift variant.
Genome position (GRCh38, 1-based): chr16:2,079,383, T duplicated; the last of 2 consecutive T bases (chr16:2,079,382-2,079,383); duplicating either gives the same sequence. VCF-style (leftmost placement, unchanged base first): chr16-2079381-G-GT. GRCh37 (hg19) VCF-style: chr16-2129382-G-GT.
Other names: c.3107dup, p.Leu1036fs (NM_001077183.3, NM_001370404.1); c.3239dup, p.Leu1080fs (NM_001114382.3); c.2999dup, p.Leu1000fs (NM_001318827.2); c.2963dup, p.Leu988fs (NM_001318829.2); c.2507dup, p.Leu836fs (NM_001318831.2); c.3140dup, p.Leu1047fs (NM_001318832.2); c.3110dup, p.Leu1037fs (NM_001363528.2, NM_021055.3, NM_001370405.1); c.3089dup, p.Leu1030Phefs (NM_001406676.1); and 20 more; short protein forms L1036fs, L988fs, L1000fs, L1047fs, L1080fs, L1037fs, L836fs.
Identifiers: ClinVar variation 2019130 (VCV002019130.4), dbSNP rs397515061, ClinGen allele CA2580090942.

ClinVar aggregate classification (germline): Pathogenic (1 of 4 stars; one submission).

Conditions:
Tuberous sclerosis 2 (TSC2). Identifiers: Orphanet 805, MedGen C1860707, MONDO:0013199, OMIM 613254.

Submission:

Labcorp Genetics (formerly Invitae), Labcorp
Classification: Pathogenic for Tuberous sclerosis 2. Last evaluated: 2022-07-23. Review status: criteria provided, single submitter. Criteria: Invitae Variant Classification Sherloc (09022015). Collection method: clinical testing. Allele origin: germline.
Comment: For these reasons, this variant has been classified as Pathogenic. This variant has not been reported in the literature in individuals affected with TSC2-related conditions. This variant is not present in population databases (gnomAD no frequency). This sequence change creates a premature translational stop signal (p.Leu1080Phefs*88) in the TSC2 gene. It is expected to result in an absent or disrupted protein product. Loss-of-function variants in TSC2 are known to be pathogenic (PMID: 10205261, 17304050).

Literature cited by the submitters: PubMed 10205261; PubMed 17304050.